The following is an entry in ClinVar:

ClinVar aggregate classification (germline): Pathogenic (1 of 4 stars; one submission).

Submission:

Labcorp Genetics (formerly Invitae), Labcorp
Classification: Pathogenic. Last evaluated: 2022-06-08. Review status: criteria provided, single submitter. Criteria: Invitae Variant Classification Sherloc (09022015). Collection method: clinical testing. Allele origin: germline.
Comment: This sequence change creates a premature translational stop signal (p.Leu12*) in the ADNP gene. It is expected to result in an absent or disrupted protein product. Loss-of-function variants in ADNP are known to be pathogenic (PMID: 29724491, 30106381). This variant is not present in population databases (gnomAD no frequency). This variant has not been reported in the literature in individuals affected with ADNP-related conditions. For these reasons, this variant has been classified as Pathogenic.

Literature cited by the submitters: PubMed 29724491; PubMed 30106381.

NM_001282531.3(ADNP):c.35T>A (p.Leu12Ter)

Gene: ADNP (activity dependent neuroprotector homeobox; minus strand). Cytogenetic location: 20q13.13.
Variant type: single nucleotide variant.
Coding change: c.35T>A on transcript NM_001282531.3 (MANE Select); coding-DNA position 35, T replaced by A.
Protein change: p.Leu12Ter; replaces leucine 12 with a stop codon.
Molecular consequence: nonsense.
Genome position (GRCh38, 1-based): chr20:50,903,962, A>T on the plus strand (T>A on the coding strand, the complement: ADNP is on the minus strand). VCF-style: chr20-50903962-A-T. GRCh37 (hg19) VCF-style: chr20-49520499-A-T.
Other names: c.35T>A, p.Leu12Ter (NM_001347511.2, NM_015339.5, NM_181442.4 and 1 more transcripts); short protein forms L12*.
Identifiers: ClinVar variation 2002784 (VCV002002784.4), dbSNP rs2515621585, ClinGen allele CA408982509.
Genomic context (GRCh38, chr20:50,903,962, plus strand): 5'-TTACAGTATTCCAACCCAATGTCACTAAGTATTTTTTTCACAGTTTTCCGGGCTTTTCTT[A>T]AACTGCCAAGATTGTTGACAGGAAGTTGGAACATAGTTTCTATTGGAAAAAAAAATTTAA-3'